The following is an entry in ClinVar:

NM_000531.6(OTC):c.145A>C (p.Thr49Pro)

Gene: OTC (ornithine transcarbamylase; plus strand). Cytogenetic location: Xp11.4.
Variant type: single nucleotide variant.
Coding change: c.145A>C on transcript NM_000531.6 (MANE Select); coding-DNA position 145, A replaced by C.
Protein change: p.Thr49Pro; replaces threonine 49 with proline.
Molecular consequence: missense variant.
Genome position (GRCh38, 1-based): chrX:38,367,358, A>C. VCF-style: chrX-38367358-A-C. GRCh37 (hg19) VCF-style: chrX-38226611-A-C.
Other names: short protein forms T49P.
Identifiers: ClinVar variation 97116 (VCV000097116.4), dbSNP rs72554316, ClinGen allele CA224469.

ClinVar aggregate classification (germline): Uncertain significance. Review status: criteria provided, single submitter (1 of 4 stars). 2 submissions from 2 submitters: Uncertain significance (1). 1 of the submissions does not count toward it. Last evaluated 2023-05-23.

Conditions:
Ornithine carbamoyltransferase deficiency (OTCD). Also called: ORNITHINE TRANSCARBAMYLASE DEFICIENCY, HYPERAMMONEMIA DUE TO; ORNITHINE TRANSCARBAMYLASE DEFICIENCY; OTC DEFICIENCY; Ornithine Carbamoyltransferase Deficiency Disease. Identifiers: Orphanet 664, MedGen C0268542, MONDO:0010703, OMIM 311250.

Submissions (2):

Revvity Omics, Revvity
Classification: Uncertain significance for Ornithine carbamoyltransferase deficiency. Last evaluated: 2023-05-23. Review status: criteria provided, single submitter. Criteria: ACMG Guidelines, 2015. Collection method: clinical testing. Allele origin: germline.

GenMed Metabolism Lab
Classification: Pathogenic. Review status: no assertion criteria provided. Collection method: not provided. Allele origin: unknown. Not counted in ClinVar's aggregate classification.
ClinVar note: Converted during submission from pathogenic to Pathogenic.